The following is an entry in ClinVar:

ClinVar aggregate classification (germline): Likely benign (1 of 4 stars; one submission).

Allele frequency attached by ClinVar (database versions not stated): gnomAD 0.00001; ExAC 0.00002; gnomAD exomes 0.00002; TOPMed 0.00003.
gnomAD v4.1: 27 of 1,613,708 alleles (0.0017%); highest among the groups gnomAD compares: Middle Eastern, 0.016%; no homozygotes.

Submission:

CeGaT Center for Human Genetics Tuebingen
Classification: Likely benign. Last evaluated: 2022-05-01. Review status: criteria provided, single submitter. Criteria: CeGaT Center For Human Genetics Tuebingen Variant Classification Criteria Version 2. Collection method: clinical testing. Allele origin: germline. Affected: yes. Observed: 1 variant allele.
Comment: NAV2: BP4, BP7

NM_145117.5(NAV2):c.3156G>A (p.Thr1052=)

Genes: NAV2 (neuron navigator 2; plus strand), NAV2-AS2 (NAV2 antisense RNA 2; minus strand). Cytogenetic location: 11p15.1.
Variant type: single nucleotide variant.
Coding change: c.3156G>A on transcript NM_145117.5 (MANE Select); coding-DNA position 3156, G replaced by A.
Protein change: p.Thr1052=; no amino-acid change (threonine 1052 retained).
Molecular consequence: synonymous variant. On other transcripts: non-coding transcript variant (1).
Genome position (GRCh38, 1-based): chr11:20,044,229, G>A. VCF-style: chr11-20044229-G-A. GRCh37 (hg19) VCF-style: chr11-20065775-G-A.
Other names: c.2964G>A, p.Thr988= (NM_001111018.2); c.414G>A, p.Thr138= (NM_001111019.3); c.3225G>A, p.Thr1075= (NM_001244963.2); c.3156G>A, p.Thr1052= (NM_182964.6).
Identifiers: ClinVar variation 2641681 (VCV002641681.24), dbSNP rs747162105, ClinGen allele CA5918377.